The following is an entry in ClinVar:

NM_032043.3(BRIP1):c.2737T>G (p.Ser913Ala)

Gene: BRIP1 (BRCA1 interacting DNA helicase 1; minus strand). Cytogenetic location: 17q23.2.
Variant type: single nucleotide variant.
Coding change: c.2737T>G on transcript NM_032043.3 (MANE Select); coding-DNA position 2737, T replaced by G.
Protein change: p.Ser913Ala; replaces serine 913 with alanine.
Molecular consequence: missense variant.
Genome position (GRCh38, 1-based): chr17:61,686,004, A>C on the plus strand (T>G on the coding strand, the complement: BRIP1 is on the minus strand). VCF-style: chr17-61686004-A-C. GRCh37 (hg19) VCF-style: chr17-59763365-A-C.
Other names: short protein forms S913A.
Identifiers: ClinVar variation 479482 (VCV000479482.18), dbSNP rs1555573382, ClinGen allele CA400481636.

ClinVar aggregate classification (germline): Uncertain significance. Review status: criteria provided, multiple submitters, no conflicts (2 of 4 stars). 3 submissions from 3 submitters: Uncertain significance (3). Last evaluated 2025-11-12.

Conditions:
Hereditary cancer-predisposing syndrome. Also called: Tumor predisposition; Neoplastic Syndromes, Hereditary; Hereditary Cancer Syndrome; Hereditary neoplastic syndrome. Identifiers: Orphanet 140162, MedGen C0027672, MeSH D009386, MONDO:0015356.
Fanconi anemia complementation group J. Also called: BRIP1-Related Fanconi Anemia. Identifiers: Orphanet 84, MedGen C1836860, MONDO:0012187, OMIM 609054.
Familial cancer of breast. Also called: BREAST CANCER, FAMILIAL; Hereditary breast cancer; hereditary breast carcinoma. Identifiers: Orphanet 227535, MedGen C0346153, MONDO:0016419, OMIM 114480. Disease mechanism: loss of function.

Allele frequency attached by ClinVar (database versions not stated): gnomAD exomes below 0.00001.
gnomAD v4.1: 1 of 1,614,008 alleles (0.000062%); highest among the groups gnomAD compares: Non-Finnish European, 0.000085%; no homozygotes.

Submissions (3):

Ambry Genetics
Classification: Uncertain significance for Hereditary cancer-predisposing syndrome. Last evaluated: 2025-11-12. Review status: criteria provided, single submitter. Criteria: Ambry Variant Classification Scheme 2023. Collection method: clinical testing. Allele origin: germline.

Labcorp Genetics (formerly Invitae), Labcorp
Classification: Uncertain significance for Familial cancer of breast; Fanconi anemia complementation group J. Last evaluated: 2025-01-28. Review status: criteria provided, single submitter. Criteria: Invitae Variant Classification Sherloc (09022015). Collection method: clinical testing. Allele origin: germline.
Comment: This sequence change replaces serine, which is neutral and polar, with alanine, which is neutral and non-polar, at codon 913 of the BRIP1 protein (p.Ser913Ala). This variant is not present in population databases (gnomAD no frequency). This variant has not been reported in the literature in individuals affected with BRIP1-related conditions. ClinVar contains an entry for this variant (Variation ID: 479482). Invitae Evidence Modeling of protein sequence and biophysical properties (such as structural, functional, and spatial information, amino acid conservation, physicochemical variation, residue mobility, and thermodynamic stability) indicates that this missense variant is not expected to disrupt BRIP1 protein function with a negative predictive value of 95%. In summary, the available evidence is currently insufficient to determine the role of this variant in disease. Therefore, it has been classified as a Variant of Uncertain Significance.

Color Diagnostics, LLC DBA Color Health
Classification: Uncertain significance for Hereditary cancer-predisposing syndrome. Last evaluated: 2024-10-15. Review status: criteria provided, single submitter. Criteria: ACMG Guidelines, 2015. Collection method: clinical testing. Allele origin: germline.
Comment: This missense variant replaces serine with alanine at codon 913 of the BRIP1 protein. Computational prediction suggests that this variant may not impact protein structure and function. To our knowledge, functional studies have not been reported for this variant. This variant has not been reported in individuals affected with BRIP1-related disorders in the literature. This variant has not been identified in the general population by the Genome Aggregation Database (gnomAD). The available evidence is insufficient to determine the role of this variant in disease conclusively. Therefore, this variant is classified as a Variant of Uncertain Significance.